The following is an entry in ClinVar:

ClinVar aggregate classification (germline): Uncertain significance (1 of 4 stars; one submission).

gnomAD v4.1: 3 of 1,607,568 alleles (0.00019%); highest among the groups gnomAD compares: East Asian, 0.0022%; no homozygotes.

Submission:

Dasa
Classification: Uncertain significance. Last evaluated: 2025-08-13. Review status: criteria provided, single submitter. Criteria: DASA Assertion Criteria. Collection method: clinical testing. Allele origin: germline.
Comment: NM_001281453.2(MBD3):c.151C>T (p.Arg51Cys) is a missense variant that results in the substitution of arginine with cysteine. This variant is rare in population databases. Computational prediction algorithms are consistent with a deleterious effect. The currently available literature and clinical evidence are not sufficient to establish a definitive association between this variant and the reported condition. Therefore, this variant is classified as a variant of uncertain significance.

NM_001281453.2(MBD3):c.151C>T (p.Arg51Cys)

Gene: MBD3 (methyl-CpG binding domain protein 3; minus strand). Cytogenetic location: 19p13.3.
Variant type: single nucleotide variant.
Coding change: c.151C>T on transcript NM_001281453.2 (MANE Select); coding-DNA position 151, C replaced by T.
Protein change: p.Arg51Cys; replaces arginine 51 with cysteine.
Molecular consequence: missense variant.
Genome position (GRCh38, 1-based): chr19:1,585,174, G>A on the plus strand (C>T on the coding strand, the complement: MBD3 is on the minus strand). VCF-style: chr19-1585174-G-A. GRCh37 (hg19) VCF-style: chr19-1585173-G-A.
Other names: c.55C>T, p.Arg19Cys (NM_001281454.2); short protein forms R19C, R51C.
Identifiers: ClinVar variation 4886638 (VCV004886638.2).
Genomic context (GRCh38, chr19:1,585,174, plus strand): 5'-TCAGCATCTTGCCCGTGCGGAAGTCGAAGGTGCTCAGGTCCATGGAGCCGCCCAGGTAGC[G>A]CGCCAGCTGCGGCTTGCTGCGGAACTTCTTCCCGCTCGGGCTGCGGGGAGGCGGGACGGT-3'
Protein context (NP_001268382.1, residues 41-61): KKFRSKPQLA[Arg51Cys]YLGGSMDLST